The following is an entry in ClinVar:

ClinVar aggregate classification (germline): Benign/Likely benign. Review status: criteria provided, multiple submitters, no conflicts (2 of 4 stars). 5 submissions from 5 submitters: Benign (1); Likely benign (4). Last evaluated 2025-09-10.

Conditions:
Hereditary diffuse gastric adenocarcinoma (HDGC). Also called: DIFFUSE GASTRIC AND LOBULAR BREAST CANCER SYNDROME. Identifiers: Orphanet 26106, MedGen C1708349, MONDO:0007648, OMIM 137215.
Prostate cancer. Also called: Malignant tumor of prostate. Identifiers: Orphanet 1331, MedGen C0376358, MONDO:0008315, HP:0012125.
Hereditary cancer-predisposing syndrome. Also called: Neoplastic Syndromes, Hereditary; Hereditary Cancer Syndrome; Hereditary neoplastic syndrome; Tumor predisposition. Identifiers: Orphanet 140162, MedGen C0027672, MeSH D009386, MONDO:0015356.

gnomAD v4.1: 1 of 1,614,084 alleles (0.000062%); highest among the groups gnomAD compares: Non-Finnish European, 0.000085%; no homozygotes.

Submissions (5):

Labcorp Genetics (formerly Invitae), Labcorp
Classification: Likely benign for Hereditary diffuse gastric adenocarcinoma. Last evaluated: 2025-09-10. Review status: criteria provided, single submitter. Criteria: Invitae Variant Classification Sherloc (09022015). Collection method: clinical testing. Allele origin: germline.

Myriad Genetics, Inc.
Classification: Benign for Hereditary diffuse gastric adenocarcinoma. Last evaluated: 2024-09-17. Review status: criteria provided, single submitter. Criteria: Myriad Autosomal Dominant, Autosomal Recessive and X-Linked Classification Criteria (2023). Collection method: clinical testing. Allele origin: unknown.
Comment: This variant is considered benign. This variant is a silent/synonymous amino acid change and it is not expected to impact splicing.

KCCC/NGS Laboratory, Kuwait Cancer Control Center
Classification: Likely benign for Familial prostate cancer. Last evaluated: 2023-07-07. Review status: criteria provided, single submitter. Criteria: ACMG Guidelines, 2015. Collection method: clinical testing. Allele origin: germline. Affected: yes.

Ambry Genetics
Classification: Likely benign for Hereditary cancer-predisposing syndrome. Last evaluated: 2021-06-10. Review status: criteria provided, single submitter. Criteria: Ambry Variant Classification Scheme 2023. Collection method: clinical testing. Allele origin: germline.

GeneDx
Classification: Likely benign. Last evaluated: 2016-01-18. Review status: criteria provided, single submitter. Criteria: GeneDx Variant Classification (06012015). Collection method: clinical testing. Allele origin: germline. Affected: yes.
Comment: This variant is considered likely benign or benign based on one or more of the following criteria: it is a conservative change, it occurs at a poorly conserved position in the protein, it is predicted to be benign by multiple in silico algorithms, and/or has population frequency not consistent with disease.

NM_004360.5(CDH1):c.1020G>T (p.Thr340=)

Gene: CDH1 (cadherin 1; plus strand). Cytogenetic location: 16q22.1.
Variant type: single nucleotide variant.
Coding change: c.1020G>T on transcript NM_004360.5 (MANE Select); coding-DNA position 1020, G replaced by T.
Protein change: p.Thr340=; no amino-acid change (threonine 340 retained).
Molecular consequence: synonymous variant. On other transcripts: 5 prime UTR variant (2).
Genome position (GRCh38, 1-based): chr16:68,812,146, G>T. VCF-style: chr16-68812146-G-T. GRCh37 (hg19) VCF-style: chr16-68846049-G-T.
Other names: c.1020G>T, p.Thr340= (NM_001317184.2); c.-596G>T (NM_001317185.2); c.-800G>T (NM_001317186.2); c.1020G>T (LRG_301t1, NM_004360.4).
Identifiers: ClinVar variation 383197 (VCV000383197.14), dbSNP rs61747632, ClinGen allele CA8129988.
Genomic context (GRCh38, chr16:68,812,146, plus strand): 5'-GGTGGCTAGTGTTCCTGGTCCTGACTTGGTTGTGTCGATCTCTCTGCAGAGTTTCCCTAC[G>T]TATACCCTGGTGGTTCAAGCTGCTGACCTTCAAGGTGAGGGGTTAAGCACAACAGCAACA-3'
Protein context (NP_004351.1, residues 330-350): TTGLDRESFP[Thr340=]YTLVVQAADL